The following is an entry in ClinVar:

NM_005633.4(SOS1):c.1376G>C (p.Arg459Thr)

Gene: SOS1 (SOS Ras/Rac guanine nucleotide exchange factor 1; minus strand). Cytogenetic location: 2p22.1.
Variant type: single nucleotide variant.
Coding change: c.1376G>C on transcript NM_005633.4 (MANE Select); coding-DNA position 1376, G replaced by C.
Protein change: p.Arg459Thr; replaces arginine 459 with threonine.
Molecular consequence: missense variant.
Genome position (GRCh38, 1-based): chr2:39,023,052, C>G on the plus strand (G>C on the coding strand, the complement: SOS1 is on the minus strand). VCF-style: chr2-39023052-C-G. GRCh37 (hg19) VCF-style: chr2-39250193-C-G.
Other names: c.1355G>C, p.Arg452Thr (NM_001382394.1); c.1376G>C, p.Arg459Thr (NM_001382395.1); short protein forms R459T, R452T.
Identifiers: ClinVar variation 2055043 (VCV002055043.4), dbSNP rs2529037453, ClinGen allele CA346366315.

ClinVar aggregate classification (germline): Uncertain significance (1 of 4 stars; one submission).

Conditions:
RASopathy. Also called: rasopathies; Noonan spectrum disorder. Identifiers: Orphanet 536391, MedGen C5555857, MONDO:0021060.

Submission:

Labcorp Genetics (formerly Invitae), Labcorp
Classification: Uncertain significance for RASopathy. Last evaluated: 2021-12-23. Review status: criteria provided, single submitter. Criteria: Invitae Variant Classification Sherloc (09022015). Collection method: clinical testing. Allele origin: germline.
Comment: This sequence change replaces arginine, which is basic and polar, with threonine, which is neutral and polar, at codon 459 of the SOS1 protein (p.Arg459Thr). This variant is not present in population databases (gnomAD no frequency). This variant has not been reported in the literature in individuals affected with SOS1-related conditions. Advanced modeling of protein sequence and biophysical properties (such as structural, functional, and spatial information, amino acid conservation, physicochemical variation, residue mobility, and thermodynamic stability) performed at Invitae indicates that this missense variant is expected to disrupt SOS1 protein function. In summary, the available evidence is currently insufficient to determine the role of this variant in disease. Therefore, it has been classified as a Variant of Uncertain Significance.